The following is an entry in ClinVar:

NM_022834.5(VWA1):c.60C>T (p.Ser20=)

Gene: VWA1 (von Willebrand factor A domain containing 1; plus strand). Cytogenetic location: 1p36.33.
Variant type: single nucleotide variant.
Coding change: c.60C>T on transcript NM_022834.5 (MANE Select); coding-DNA position 60, C replaced by T.
Protein change: p.Ser20=; no amino-acid change (serine 20 retained).
Molecular consequence: synonymous variant.
Genome position (GRCh38, 1-based): chr1:1,435,808, C>T. VCF-style: chr1-1435808-C-T. GRCh37 (hg19) VCF-style: chr1-1371188-C-T.
Other names: p.Ser20=; c.60C>T, p.Ser20= (NM_199121.3); c.60C>T (NM_022834.4).
Identifiers: ClinVar variation 4684923 (VCV004684923.2).
Genomic context (GRCh38, chr1:1,435,808, plus strand): 5'-GATGCTCCCCTGGACGGCGCTCGGCCTGGCCCTGAGCTTGCGGCTGGCGCTGGCGCGGAG[C>T]GGCGCGGAGCGCGGTGAGTGCGGCGGGCGGCCGGGCCGGGGCTGGGGCTTCTGGTGACCG-3'
Protein context (NP_073745.2, residues 10-30): ALSLRLALAR[Ser20=]GAERGPPASA

ClinVar aggregate classification (germline): Likely benign. Review status: criteria provided, multiple submitters, no conflicts (2 of 4 stars). 2 submissions from 2 submitters: Likely benign (2). Last evaluated 2025-12-06.

Conditions:
VWA1-related disorder. Also called: VWA1-related condition.

gnomAD v4.1: 403 of 1,177,352 alleles (0.034%); highest among the groups gnomAD compares: Admixed American, 0.36%; 2 homozygotes.

Submissions (2):

Mayo Clinic Laboratories, Mayo Clinic
Classification: Likely benign. Last evaluated: 2025-12-06. Review status: criteria provided, single submitter. Criteria: ACMG Guidelines, 2015. Collection method: clinical testing. Allele origin: germline. Observed: 3 variant alleles.
Comment: BS1, BP4, BP7

PreventionGenetics, part of Exact Sciences
Classification: Likely benign for VWA1-related condition. Last evaluated: 2025-01-02. Review status: criteria provided, single submitter. Criteria: ACMG Guidelines, 2015. Collection method: clinical testing. Allele origin: germline.
Comment: This variant is classified as likely benign based on ACMG/AMP sequence variant interpretation guidelines (Richards et al. 2015 PMID: 25741868, with internal and published modifications).